The following is an entry in ClinVar:

ClinVar aggregate classification (germline): Likely benign (1 of 4 stars; one submission).

Submission:

CeGaT Center for Human Genetics Tuebingen
Classification: Likely benign. Last evaluated: 2026-08-01. Review status: criteria provided, single submitter. Criteria: CeGaT Center For Human Genetics Tuebingen Variant Classification Criteria Version 2. Collection method: clinical testing. Allele origin: germline. Affected: yes. Observed: 1 variant allele.
Comment: RPE65: PM2:Supporting, BP4, BP7

NM_000329.3(RPE65):c.447C>G (p.Thr149=)

Gene: RPE65 (retinoid isomerohydrolase RPE65; minus strand). Cytogenetic location: 1p31.3.
Variant type: single nucleotide variant.
Coding change: c.447C>G on transcript NM_000329.3 (MANE Select); coding-DNA position 447, C replaced by G.
Protein change: p.Thr149=; no amino-acid change (threonine 149 retained).
Molecular consequence: synonymous variant.
Genome position (GRCh38, 1-based): chr1:68,444,579, G>C on the plus strand (C>G on the coding strand, the complement: RPE65 is on the minus strand). VCF-style: chr1-68444579-G-C. GRCh37 (hg19) VCF-style: chr1-68910262-G-C.
Other names: c.339C>G, p.Thr113= (NM_001406853.1); c.171C>G, p.Thr57= (NM_001406856.1, NM_001406857.1); c.447C>G, p.Thr149= (NM_001406859.1, NM_001406860.1).
Identifiers: ClinVar variation 5038483 (VCV005038483.1).